The following is an entry in ClinVar:

NM_006904.7(PRKDC):c.6823C>G (p.Gln2275Glu)

Gene: PRKDC (protein kinase, DNA-activated, catalytic subunit; minus strand). Cytogenetic location: 8q11.21.
Variant type: single nucleotide variant.
Coding change: c.6823C>G on transcript NM_006904.7 (MANE Select); coding-DNA position 6823, C replaced by G.
Protein change: p.Gln2275Glu; replaces glutamine 2275 with glutamic acid.
Molecular consequence: missense variant.
Genome position (GRCh38, 1-based): chr8:47,854,153, G>C on the plus strand (C>G on the coding strand, the complement: PRKDC is on the minus strand). VCF-style: chr8-47854153-G-C. GRCh37 (hg19) VCF-style: chr8-48766714-G-C.
Other names: c.6823C>G, p.Gln2275Glu (NM_001081640.2); short protein forms Q2275E.
Identifiers: ClinVar variation 2179223 (VCV002179223.4), dbSNP rs765893792, ClinGen allele CA4740255.
Genomic context (GRCh38, chr8:47,854,153, plus strand): 5'-GGATGCCACACTGTGGGTCATAGGGAGGCAGGTCATTGGCCATCACGATGCCTAGCAATT[G>C]AATCCCTACTGAGTTGTCTTTAGAATTAGGATCTTTACCGGAAAACTTTTCAAATATTAA-3'
Protein context (NP_008835.5, residues 2265-2285): PNSKDNSVGI[Gln2275Glu]LLGIVMANDL

ClinVar aggregate classification (germline): Uncertain significance (1 of 4 stars; one submission).

Conditions:
Severe combined immunodeficiency due to DNA-PKcs deficiency. Also called: IMMUNODEFICIENCY 26 WITH NEUROLOGIC ABNORMALITIES; Immunodeficiency 26 with or without neurologic abnormalities. Identifiers: Orphanet 317425, MedGen C4014833, MONDO:0014423, OMIM 615966.

Allele frequency attached by ClinVar (database versions not stated): gnomAD exomes below 0.00001; TOPMed 0.00001; ExAC 0.00002.
gnomAD v4.1: 6 of 1,613,698 alleles (0.00037%); highest among the groups gnomAD compares: Non-Finnish European, 0.00051%; no homozygotes.

Submission:

Labcorp Genetics (formerly Invitae), Labcorp
Classification: Uncertain significance for Severe combined immunodeficiency due to DNA-PKcs deficiency. Last evaluated: 2022-08-22. Review status: criteria provided, single submitter. Criteria: Invitae Variant Classification Sherloc (09022015). Collection method: clinical testing. Allele origin: germline.
Comment: This sequence change replaces glutamine, which is neutral and polar, with glutamic acid, which is acidic and polar, at codon 2275 of the PRKDC protein (p.Gln2275Glu). In summary, the available evidence is currently insufficient to determine the role of this variant in disease. Therefore, it has been classified as a Variant of Uncertain Significance. Experimental studies and prediction algorithms are not available or were not evaluated, and the functional significance of this variant is currently unknown. This variant has not been reported in the literature in individuals affected with PRKDC-related conditions. This variant is present in population databases (rs765893792, gnomAD 0.002%).